The following is an entry in ClinVar:

ClinVar aggregate classification (germline): Uncertain significance (1 of 4 stars; one submission).

Conditions:
Inborn genetic diseases. Identifiers: MedGen C0950123, MeSH D030342.

gnomAD v4.1: 4 of 1,571,162 alleles (0.00025%); highest among the groups gnomAD compares: Non-Finnish European, 0.00026%; no homozygotes.

Submission:

Ambry Genetics
Classification: Uncertain significance for Inborn genetic diseases. Last evaluated: 2025-03-25. Review status: criteria provided, single submitter. Criteria: Ambry Variant Classification Scheme 2023. Collection method: clinical testing. Allele origin: germline.
Comment: The p.S16P variant (also known as c.46T>C), located in coding exon 1 of the SH2B3 gene, results from a T to C substitution at nucleotide position 46. The serine at codon 16 is replaced by proline, an amino acid with similar properties. This amino acid position is conserved. In addition, this alteration is predicted to be tolerated by in silico analysis. Based on the available evidence, the clinical significance of this variant remains unclear.

NM_005475.3(SH2B3):c.46T>C (p.Ser16Pro)

Gene: SH2B3 (SH2B adaptor protein 3; plus strand). Cytogenetic location: 12q24.12.
Variant type: single nucleotide variant.
Coding change: c.46T>C on transcript NM_005475.3 (MANE Select); coding-DNA position 46, T replaced by C.
Protein change: p.Ser16Pro; replaces serine 16 with proline.
Molecular consequence: missense variant.
Genome position (GRCh38, 1-based): chr12:111,418,191, T>C. VCF-style: chr12-111418191-T-C. GRCh37 (hg19) VCF-style: chr12-111855995-T-C.
Other names: short protein forms S16P.
Identifiers: ClinVar variation 3953385 (VCV003953385.1).